The following is an entry in ClinVar:

NM_012309.5(SHANK2):c.5151G>A (p.Met1717Ile)

Gene: SHANK2 (SH3 and multiple ankyrin repeat domains 2; minus strand). Cytogenetic location: 11q13.3.
Variant type: single nucleotide variant.
Coding change: c.5151G>A on transcript NM_012309.5 (MANE Select); coding-DNA position 5151, G replaced by A.
Protein change: p.Met1717Ile; replaces methionine 1717 with isoleucine.
Molecular consequence: missense variant. On other transcripts: non-coding transcript variant (1).
Genome position (GRCh38, 1-based): chr11:70,473,268, C>T on the plus strand (G>A on the coding strand, the complement: SHANK2 is on the minus strand). VCF-style: chr11-70473268-C-T. GRCh37 (hg19) VCF-style: chr11-70319373-C-T.
Other names: c.4014G>A, p.Met1338Ile (NM_001379226.1); c.3387G>A, p.Met1129Ile (NM_133266.5); short protein forms M1129I, M1717I, M1338I.
Identifiers: ClinVar variation 212170 (VCV000212170.39), dbSNP rs140134890, ClinGen allele CA214637.

ClinVar aggregate classification (germline): Benign/Likely benign. Review status: criteria provided, multiple submitters, no conflicts (2 of 4 stars). 3 submissions from 3 submitters: Benign (2); Likely benign (1). Last evaluated 2026-06-01.

Allele frequency attached by ClinVar (database versions not stated): 1000 Genomes Project 30x 0.00016; 1000 Genomes Project 0.00020; TOPMed 0.00125; ESP Exome Variant Server 0.00154; gnomAD 0.00268 and 0.00285.

Submissions (3):

CeGaT Center for Human Genetics Tuebingen
Classification: Likely benign. Last evaluated: 2026-06-01. Review status: criteria provided, single submitter. Criteria: CeGaT Center For Human Genetics Tuebingen Variant Classification Criteria Version 2. Collection method: clinical testing. Allele origin: germline. Affected: yes. Observed: 27 variant alleles.
Comment: SHANK2: BP4, BS2

Genetic Services Laboratory, University of Chicago
Classification: Benign. Last evaluated: 2020-04-28. Review status: criteria provided, single submitter. Criteria: ACMG Guidelines, 2015. Collection method: clinical testing. Allele origin: germline. Affected: no.

Labcorp Genetics (formerly Invitae), Labcorp
Classification: Benign. Last evaluated: 2019-12-31. Review status: criteria provided, single submitter. Criteria: Invitae Variant Classification Sherloc (09022015). Collection method: clinical testing. Allele origin: germline.